The following is an entry in ClinVar:

ClinVar aggregate classification (germline): Conflicting classifications of pathogenicity. Review status: criteria provided, conflicting classifications (1 of 4 stars). 6 submissions from 6 submitters: Uncertain significance (4); Likely benign (2). Last evaluated 2025-09-10.

Conditions:
Cardiovascular phenotype. Identifiers: MedGen CN230736.
Cardiomyopathy (CMYO). Also called: Cardiomyopathies. Identifiers: Orphanet 167848, MedGen C0878544, MONDO:0004994, HP:0001638. Inheritance: Various modes of inheritance.
Catecholaminergic polymorphic ventricular tachycardia 1. Also called: RYR2-Related Catecholaminergic Polymorphic Ventricular Tachycardia; VENTRICULAR TACHYCARDIA, STRESS-INDUCED POLYMORPHIC 1; VENTRICULAR TACHYCARDIA, CATECHOLAMINERGIC POLYMORPHIC, 1, WITH OR WITHOUT ATRIAL DYSFUNCTION AND/OR DILATED CARDIOMYOPATHY. Identifiers: Orphanet 3286, MedGen C1631597, MONDO:0011484, OMIM 604772.

Allele frequency attached by ClinVar (database versions not stated): ExAC 0.00011; gnomAD exomes 0.00011; 1000 Genomes Project 30x 0.00062; 1000 Genomes Project 0.00080; gnomAD 0.00001 and 0.00003; TOPMed 0.00005; ESP Exome Variant Server 0.00008.
gnomAD v4.1: 63 of 1,565,632 alleles (0.004%); highest among the groups gnomAD compares: East Asian, 0.049%; no homozygotes.

Submissions (6):

Labcorp Genetics (formerly Invitae), Labcorp
Classification: Likely benign for Catecholaminergic polymorphic ventricular tachycardia 1. Last evaluated: 2025-09-10. Review status: criteria provided, single submitter. Criteria: Invitae Variant Classification Sherloc (09022015). Collection method: clinical testing. Allele origin: germline.

Revvity Omics, Revvity
Classification: Uncertain significance. Last evaluated: 2025-03-24. Review status: criteria provided, single submitter. Criteria: ACMG Guidelines, 2015. Collection method: clinical testing. Allele origin: germline.

Ambry Genetics
Classification: Uncertain significance for Cardiovascular phenotype. Last evaluated: 2025-02-07. Review status: criteria provided, single submitter. Criteria: Ambry Variant Classification Scheme 2023. Collection method: clinical testing. Allele origin: germline.
Comment: The p.A2603T variant (also known as c.7807G>A), located in coding exon 51 of the RYR2 gene, results from a G to A substitution at nucleotide position 7807. The alanine at codon 2603 is replaced by threonine, an amino acid with similar properties. This alteration has been reported as a secondary cardiac variant in an exome cohort; however, clinical details are limited (Ng D et al. Circ Cardiovasc Genet, 2013 Aug;6:337-46). This amino acid position is not well conserved in available vertebrate species. In addition, the in silico prediction for this alteration is inconclusive. Based on the available evidence, the clinical significance of this variant remains unclear.

GeneDx
Classification: Uncertain significance. Last evaluated: 2024-07-16. Review status: criteria provided, single submitter. Criteria: GeneDx Variant Classification Process June 2021. Collection method: clinical testing. Allele origin: germline. Affected: yes.
Comment: Reported as a variant of uncertain significance in an individual with CPVT (PMID: 34546463); In silico analysis indicates that this missense variant does not alter protein structure/function; Not located in one of the three hot-spot regions of the RYR2 gene, where the majority of pathogenic missense variants occur (PMID: 19926015); This variant is associated with the following publications: (PMID: 37937776, 19926015, 34546463)

Color Diagnostics, LLC DBA Color Health
Classification: Likely benign for Cardiomyopathy. Last evaluated: 2019-10-21. Review status: criteria provided, single submitter. Criteria: ACMG Guidelines, 2015. Collection method: clinical testing. Allele origin: germline.

Biesecker Lab/Clinical Genomics Section, National Institutes of Health
Classification: Uncertain significance. Last evaluated: 2013-06-24. Review status: criteria provided, single submitter. Criteria: Ng et al. (Circ Cardiovasc Genet. 2013). Collection method: research. Allele origin: unknown. Observed: 1 variant allele. Study: ClinSeq.
Comment: The study set was not selected for affection status in relation to any cancer. Pathogenicity categories were based on literature curation. See Pubmed ID:23861362 for details.

Medical sequencing

Literature cited by the submitters: PubMed 23861362 (cited by Ambry Genetics).

NM_001035.3(RYR2):c.7807G>A (p.Ala2603Thr)

Gene: RYR2 (ryanodine receptor 2; plus strand). Cytogenetic location: 1q43.
Variant type: single nucleotide variant.
Coding change: c.7807G>A on transcript NM_001035.3 (MANE Select); coding-DNA position 7807, G replaced by A.
Protein change: p.Ala2603Thr; replaces alanine 2603 with threonine.
Molecular consequence: missense variant.
Genome position (GRCh38, 1-based): chr1:237,651,484, G>A. VCF-style: chr1-237651484-G-A. GRCh37 (hg19) VCF-style: chr1-237814784-G-A.
Other names: c.7807G>A, p.Ala2603Thr (LRG_402t1); short protein forms A2603T.
Identifiers: ClinVar variation 191485 (VCV000191485.16), dbSNP rs59331340, ClinGen allele CA010771.